The following is an entry in ClinVar:

ClinVar aggregate classification (germline): Uncertain significance (1 of 4 stars; one submission).

Conditions:
Fanconi anemia (FA). Also called: Fanconi's anemia. Identifiers: Orphanet 84, MedGen C0015625, MeSH D005199, MONDO:0019391.

Allele frequency attached by ClinVar (database versions not stated): TOPMed below 0.00001; gnomAD exomes 0.00001.
gnomAD v4.1: 18 of 1,613,416 alleles (0.0011%); highest among the groups gnomAD compares: Non-Finnish European, 0.0014%; no homozygotes.

Submission:

Labcorp Genetics (formerly Invitae), Labcorp
Classification: Uncertain significance for Fanconi anemia. Last evaluated: 2025-09-28. Review status: criteria provided, single submitter. Criteria: Invitae Variant Classification Sherloc (09022015). Collection method: clinical testing. Allele origin: germline.
Comment: This sequence change replaces proline, which is neutral and non-polar, with arginine, which is basic and polar, at codon 1452 of the FANCA protein (p.Pro1452Arg). This variant is present in population databases (no rsID available, gnomAD 0.0009%). This variant has not been reported in the literature in individuals affected with FANCA-related conditions. ClinVar contains an entry for this variant (Variation ID: 2170586). Invitae Evidence Modeling of protein sequence and biophysical properties (such as structural, functional, and spatial information, amino acid conservation, physicochemical variation, residue mobility, and thermodynamic stability) has been performed for this missense variant. However, the output from this modeling did not meet the statistical confidence thresholds required to predict the impact of this variant on FANCA protein function. In summary, the available evidence is currently insufficient to determine the role of this variant in disease. Therefore, it has been classified as a Variant of Uncertain Significance.

NM_000135.4(FANCA):c.4355C>G (p.Pro1452Arg)

Genes: FANCA (FA complementation group A; minus strand), ZNF276 (zinc finger protein 276; plus strand). Cytogenetic location: 16q24.3.
Variant type: single nucleotide variant.
Coding change: c.4355C>G on transcript NM_000135.4 (MANE Select); coding-DNA position 4355, C replaced by G.
Protein change: p.Pro1452Arg; replaces proline 1452 with arginine.
Molecular consequence: missense variant. On other transcripts: 3 prime UTR variant (3), non-coding transcript variant (4).
Genome position (GRCh38, 1-based): chr16:89,738,614, G>C on the plus strand (C>G on the coding strand, the complement: FANCA is on the minus strand). VCF-style: chr16-89738614-G-C. GRCh37 (hg19) VCF-style: chr16-89805022-G-C.
Other names: c.*84C>G (NM_001286167.3); c.*368G>C (NM_001113525.2, NM_152287.4); short protein forms P1452R.
Identifiers: ClinVar variation 2170586 (VCV002170586.2), dbSNP rs897557830, ClinGen allele CA286613748.